The following is an entry in ClinVar:

NM_016247.4(IMPG2):c.170C>T (p.Ser57Phe)

Gene: IMPG2 (interphotoreceptor matrix proteoglycan 2; minus strand). Cytogenetic location: 3q12.3.
Variant type: single nucleotide variant.
Coding change: c.170C>T on transcript NM_016247.4 (MANE Select); coding-DNA position 170, C replaced by T.
Protein change: p.Ser57Phe; replaces serine 57 with phenylalanine.
Molecular consequence: missense variant.
Genome position (GRCh38, 1-based): chr3:101,319,748, G>A on the plus strand (C>T on the coding strand, the complement: IMPG2 is on the minus strand). VCF-style: chr3-101319748-G-A. GRCh37 (hg19) VCF-style: chr3-101038592-G-A.
Other names: short protein forms S57F.
Identifiers: ClinVar variation 3360490 (VCV003360490.1).

ClinVar aggregate classification (germline): Uncertain significance (1 of 4 stars; one submission).

Submission:

GeneDx
Classification: Uncertain significance. Last evaluated: 2023-06-27. Review status: criteria provided, single submitter. Criteria: GeneDx Variant Classification Process June 2021. Collection method: clinical testing. Allele origin: germline. Affected: yes.
Comment: Not observed at significant frequency in large population cohorts (gnomAD); In silico analysis supports that this missense variant has a deleterious effect on protein structure/function; Has not been previously published as pathogenic or benign to our knowledge